The following is an entry in ClinVar:

NM_170606.3(KMT2C):c.12596G>A (p.Cys4199Tyr)

Gene: KMT2C (lysine methyltransferase 2C; minus strand). Cytogenetic location: 7q36.1.
Variant type: single nucleotide variant.
Coding change: c.12596G>A on transcript NM_170606.3 (MANE Select); coding-DNA position 12596, G replaced by A.
Protein change: p.Cys4199Tyr; replaces cysteine 4199 with tyrosine.
Molecular consequence: missense variant.
Genome position (GRCh38, 1-based): chr7:152,151,512, C>T on the plus strand (G>A on the coding strand, the complement: KMT2C is on the minus strand). VCF-style: chr7-152151512-C-T. GRCh37 (hg19) VCF-style: chr7-151848597-C-T.
Other names: short protein forms C4199Y.
Identifiers: ClinVar variation 4056557 (VCV004056557.1).
Genomic context (GRCh38, chr7:152,151,512, plus strand): 5'-AGGGTCAGATCTTTGAAAGATTTCCGCACACCACTTCCAAGAATAACCACTTTACAATGA[C>T]AACACCACTGTGGTCTGAGTGCTGCGCTTTCTGCAATACCATGACTAGAATCCTTATATC-3'
Protein context (NP_733751.2, residues 4189-4209): ESAALRPQWC[Cys4199Tyr]HCKVVILGSG

ClinVar aggregate classification (germline): Uncertain significance (1 of 4 stars; one submission).

Conditions:
Kleefstra syndrome 2 (KLEFS2). Identifiers: MedGen C4540395, MONDO:0054701, OMIM 617768.

Submission:

Laboratorio de Genetica e Diagnostico Molecular, Hospital Israelita Albert Einstein
Classification: Uncertain significance for Kleefstra syndrome 2. Last evaluated: 2025-03-03. Review status: criteria provided, single submitter. Criteria: ACMG Guidelines, 2015. Collection method: clinical testing. Allele origin: germline. Affected: yes.
Comment: ACMG classification criteria: PM2 supporting, PP2 supporting